The following is an entry in ClinVar:

NM_001161403.3(LIMS2):c.92G>A (p.Ser31Asn)

Gene: LIMS2 (LIM zinc finger domain containing 2; minus strand). Cytogenetic location: 2q14.3.
Variant type: single nucleotide variant.
Coding change: c.92G>A on transcript NM_001161403.3 (MANE Select); coding-DNA position 92, G replaced by A.
Protein change: p.Ser31Asn; replaces serine 31 with asparagine.
Molecular consequence: missense variant.
Genome position (GRCh38, 1-based): chr2:127,657,482, C>T on the plus strand (G>A on the coding strand, the complement: LIMS2 is on the minus strand). VCF-style: chr2-127657482-C-T. GRCh37 (hg19) VCF-style: chr2-128415056-C-T.
Other names: c.158G>A, p.Ser53Asn (NM_001136037.4); c.77G>A, p.Ser26Asn (NM_001161404.2); c.164G>A, p.Ser55Asn (NM_017980.5); short protein forms S55N, S26N, S31N, S53N.
Identifiers: ClinVar variation 3688748 (VCV003688748.2).

ClinVar aggregate classification (germline): Uncertain significance (1 of 4 stars; one submission).

Conditions:
Autosomal recessive limb-girdle muscular dystrophy type 2W (MDRCMTT). Also called: Muscular dystrophy, autosomal recessive, with cardiomyopathy and triangular tongue; Muscular dystrophy, limb-girdle, type 2W. Identifiers: MedGen C4225192, MONDO:0014788, OMIM 616827.

gnomAD v4.1: 5 of 1,613,726 alleles (0.00031%); highest among the groups gnomAD compares: Non-Finnish European, 0.000085%; no homozygotes.

Submission:

Labcorp Genetics (formerly Invitae), Labcorp
Classification: Uncertain significance for Autosomal recessive limb-girdle muscular dystrophy type 2W. Last evaluated: 2024-05-23. Review status: criteria provided, single submitter. Criteria: Invitae Variant Classification Sherloc (09022015). Collection method: clinical testing. Allele origin: germline.
Comment: This sequence change replaces serine, which is neutral and polar, with asparagine, which is neutral and polar, at codon 53 of the LIMS2 protein (p.Ser53Asn). This variant is not present in population databases (gnomAD no frequency). This variant has not been reported in the literature in individuals affected with LIMS2-related conditions. An algorithm developed to predict the effect of missense changes on protein structure and function (PolyPhen-2) suggests that this variant is likely to be disruptive. In summary, the available evidence is currently insufficient to determine the role of this variant in disease. Therefore, it has been classified as a Variant of Uncertain Significance.